The following is an entry in ClinVar:

ClinVar aggregate classification (germline): Pathogenic/Likely pathogenic. Review status: criteria provided, multiple submitters, no conflicts (2 of 4 stars). 7 submissions from 7 submitters: Pathogenic (6); Likely pathogenic (1). Last evaluated 2025-05-16.

Conditions:
Ocular cystinosis. Also called: Non-Nephropathic Cystinosis; Non-Nephropathic (Ocular) Cystinosis. Identifiers: Orphanet 213, Orphanet 411641, MedGen C2931013, MONDO:0009064, OMIM 219750.
Juvenile nephropathic cystinosis. Also called: Intermediate Cystinosis; CYSTINOSIS, LATE-ONSET JUVENILE OR ADOLESCENT NEPHROPATHIC TYPE; Later-Onset (Juvenile) Cystinosis. Identifiers: Orphanet 213, Orphanet 411634, MedGen C0268626, MONDO:0009066, OMIM 219900.
Nephropathic cystinosis (CTNS). Also called: CYSTINOSIN, DEFECT OF; LYSOSOMAL CYSTINE TRANSPORT PROTEIN, DEFECT OF; Abderhalden Lignac Kaufmann disease; Abderhalden-Kaufmann-Lignac syndrome. Identifiers: Orphanet 213, Orphanet 411629, MedGen C2931187, MONDO:0100151, OMIM 219800.
Cystinosis. Also called: Cystine diathesis; Cystine storage disease; Cystinoses. Identifiers: Orphanet 213, MedGen C4316899, MONDO:0016239.
Inborn genetic diseases. Identifiers: MedGen C0950123, MeSH D030342.

Allele frequency attached by ClinVar (database versions not stated): gnomAD exomes below 0.00001.
gnomAD v4.1: 2 of 1,614,190 alleles (0.00012%); highest among the groups gnomAD compares: South Asian, 0.0022%; no homozygotes.

Submissions (7):

GeneDx
Classification: Pathogenic. Last evaluated: 2025-05-16. Review status: criteria provided, single submitter. Criteria: GeneDx Variant Classification Process June 2021. Collection method: clinical testing. Allele origin: germline. Affected: yes.
Comment: Published in vitro functional studies found this variant is associated with significantly reduced cystine transport compared to wildtype (PMID: 15128704); Not observed at significant frequency in large population cohorts (gnomAD); In silico analysis supports that this missense variant has a deleterious effect on protein structure/function; This variant is associated with the following publications: (PMID: 15128704, 25326109, 27885487, 29467429, 19852576)

Natera, Inc.
Classification: Pathogenic for Cystinosis. Last evaluated: 2024-04-04. Review status: criteria provided, single submitter. Criteria: Natera Variant Classification Schema (03/2026). Collection method: clinical testing. Allele origin: germline.
Comment: The c.422C>T variant in CTNS is a missense variant predicted to cause substitution of serine to phenylalanine at amino acid 141. This variant is rare in the general population with a frequency below the threshold expected for the associated phenotype(s). This variant has been observed in one or more individuals affected with the associated recessive disease, as either homozygous or compound heterozygous with a second variant (PMID: 19852576). Additionally, this variant has been observed to segregate in affected family members (PMID: 19852576). Functional studies show that this variant may disrupt protein function (PMID: 15128704). Computational prediction algorithms indicate this variant is likely to affect gene or protein function. Given the available evidence, this variant is classified as Pathogenic.

Labcorp Genetics (formerly Invitae), Labcorp
Classification: Pathogenic for Inborn genetic diseases; Ocular cystinosis; Juvenile nephropathic cystinosis. Last evaluated: 2024-01-02. Review status: criteria provided, single submitter. Criteria: Invitae Variant Classification Sherloc (09022015). Collection method: clinical testing. Allele origin: germline.
Comment: This sequence change replaces serine, which is neutral and polar, with phenylalanine, which is neutral and non-polar, at codon 141 of the CTNS protein (p.Ser141Phe). This variant is present in population databases (no rsID available, gnomAD 0.003%). This missense change has been observed in individuals with cystinosis (PMID: 15128704, 19852576, 25326109). It has also been observed to segregate with disease in related individuals. ClinVar contains an entry for this variant (Variation ID: 651886). Advanced modeling of protein sequence and biophysical properties (such as structural, functional, and spatial information, amino acid conservation, physicochemical variation, residue mobility, and thermodynamic stability) performed at Invitae indicates that this missense variant is expected to disrupt CTNS protein function with a positive predictive value of 80%. Experimental studies have shown that this missense change affects CTNS function (PMID: 15128704, 29467429). For these reasons, this variant has been classified as Pathogenic.

Baylor Genetics
Classification: Pathogenic for Nephropathic cystinosis. Last evaluated: 2023-11-28. Review status: criteria provided, single submitter. Criteria: ACMG Guidelines, 2015. Collection method: clinical testing. Allele origin: unknown.

Women's Health and Genetics/Laboratory Corporation of America, LabCorp
Classification: Pathogenic for Cystinosis. Last evaluated: 2022-12-18. Review status: criteria provided, single submitter. Criteria: LabCorp Variant Classification Summary - May 2015. Collection method: clinical testing. Allele origin: germline.
Comment: Variant summary: CTNS c.422C>T (p.Ser141Phe) results in a non-conservative amino acid change in the encoded protein sequence. Five of five in-silico tools predict a damaging effect of the variant on protein function. The variant allele was found at a frequency of 4e-06 in 251494 control chromosomes. c.422C>T has been reported in the literature as biallelic homozygous or compound heterozygous genotypes in multiple individuals affected with Cystinosis (example, Kalatzis_2004, Aldahmesh_2009, Owen_2015). These data indicate that the variant is very likely to be associated with disease. At least one publication reports experimental evidence evaluating an impact on protein function. The most pronounced variant effect results in <2% of normal cystine transport activity (Kalatzis_2004). Three clinical diagnostic laboratories have submitted clinical-significance assessments for this variant to ClinVar after 2014 without evidence for independent evaluation. All laboratories classified the variant as pathogenic/likely pathogenic. Based on the evidence outlined above, the variant was classified as pathogenic.

Diagnostics Services (NGS), CSIR - Centre For Cellular And Molecular Biology
Classification: Likely pathogenic for Nephropathic cystinosis; Juvenile nephropathic cystinosis; Ocular cystinosis. Last evaluated: 2019-10-10. Review status: criteria provided, single submitter. Criteria: ACMG Guidelines, 2015. Collection method: clinical testing. Allele origin: germline. Inheritance: Autosomal recessive inheritance. Affected: yes. Observed: 1 homozygote.
Comment: The Ser141Phe variant is not present in publicly available databases like 1000 Genomes, Exome Variant Server (EVS), Exome Aggregation Consortium (ExAC) however present in Genome Aggregation Database (gnomAD), dbSNP (rs1436441738) and our in-house exome database in heterozygous state at a very low frequency (MAF<0.0006). The variant was reported earlier to Human Genome Mutation Database (CM041752) in other similarly affected individuals [Kalatzis et al., Hum Mol Genet 2004]. In-silico pathogenicity prediction programs like SIFT, Polyphen2, Mutation Taster2, CADD etc. predicted this variant as likely disease causing. As per ACMG guidelines the variant has been classified as likely pathogenic.

Neuberg Centre For Genomic Medicine, NCGM
Classification: Pathogenic for Nephropathic cystinosis. Review status: criteria provided, single submitter. Criteria: ACMG Guidelines, 2015. Collection method: clinical testing. Allele origin: germline. Inheritance: Autosomal recessive inheritance. Affected: yes.
Comment: The missense variant c.422C>T (p.Ser141Phe) in CTNS gene has been observed to be homozygous or in combination with another CTNS variant in individuals affected with cystinosis, and has been shown to segregate with disease in a family (Kalatzis et al., 2004; Aldahmesh et al., 2009; Owen et al., 2015). Experimental studies have shown that this missense change abolishes cystine transport activity (Kalatzis et al., 2004; Deshpande et al., 2018). The missense variant c.422C>T (p.Ser141Phe) IN CTNS gene has been submitted to ClinVar with varying interpretations: Pathogenic/ Likely Pathogenic. The p.Ser141Phe variant is reported with the allele frequency (0.0003%) in the gnomAD Exomes and is novel (not in any individuals) in 1000 Genomes. The amino acid Ser at position 141 is changed to a Phe changing protein sequence and it might alter its composition and physico-chemical properties. The variant is predicted to be damaging by both SIFT and PolyPhen2. The residue is conserved across species. The amino acid change p.Ser141Phe in CTNS is predicted as conserved by GERP++ and PhyloP across 100 vertebrates. For these reasons, this variant has been classified as Pathogenic.

Literature cited by the submitters: PubMed 19852576 (cited by 3 submitters); PubMed 15128704 (cited by 3 submitters); PubMed 25326109 (cited by Labcorp Genetics (formerly Invitae), Labcorp and Women's Health and Genetics/Laboratory Corporation of America, LabCorp); PubMed 29467429 (cited by Labcorp Genetics (formerly Invitae), Labcorp).

NM_004937.3(CTNS):c.422C>T (p.Ser141Phe)

Genes: CTNS (cystinosin, lysosomal cystine transporter; plus strand), CTNS-AS1 (CTNS antisense RNA 1; minus strand). Cytogenetic location: 17p13.2.
Variant type: single nucleotide variant.
Coding change: c.422C>T on transcript NM_004937.3 (MANE Select); coding-DNA position 422, C replaced by T.
Protein change: p.Ser141Phe; replaces serine 141 with phenylalanine.
Molecular consequence: missense variant. On other transcripts: 5 prime UTR variant (4).
Genome position (GRCh38, 1-based): chr17:3,655,313, C>T. VCF-style: chr17-3655313-C-T. GRCh37 (hg19) VCF-style: chr17-3558607-C-T.
Other names: c.422C>T (NM_001031681.2); c.422C>T, p.Ser141Phe (NM_001031681.3, NM_001374492.1); c.-20C>T (NM_001374493.1, NM_001374494.1, NM_001374495.1 and 1 more transcripts); short protein forms S141F.
Identifiers: ClinVar variation 651886 (VCV000651886.22), dbSNP rs1436441738, ClinGen allele CA397690769.
Genomic context (GRCh38, chr17:3,655,313, plus strand): 5'-GCGCCATTAGCATCATAAACCAGGTGATTGGCTGGATCTACTTTGTGGCCTGGTCCATCT[C>T]CTTCTACCCTCAGGTGATCATGAATTGGAGGCGGAAAAGGTAACCCCCTGGGCCGTATGT-3'
Protein context (NP_004928.2, residues 131-151): GWIYFVAWSI[Ser141Phe]FYPQVIMNWR